The following is an entry in ClinVar:

NM_033380.3(COL4A5):c.384G>A (p.Lys128=)

Gene: COL4A5 (collagen type IV alpha 5 chain; plus strand). Cytogenetic location: Xq22.3.
Variant type: single nucleotide variant.
Coding change: c.384G>A on transcript NM_033380.3 (MANE Select); coding-DNA position 384, G replaced by A.
Protein change: p.Lys128=; no amino-acid change (lysine 128 retained).
Molecular consequence: synonymous variant.
Genome position (GRCh38, 1-based): chrX:108,568,821, G>A. VCF-style: chrX-108568821-G-A. GRCh37 (hg19) VCF-style: chrX-107812051-G-A.
Other names: c.384G>A, p.Lys128= (NM_000495.5).
Identifiers: ClinVar variation 3341967 (VCV003341967.18), dbSNP rs1569488434.

ClinVar aggregate classification (germline): Likely pathogenic. Review status: criteria provided, multiple submitters, no conflicts (2 of 4 stars). 3 submissions from 3 submitters: Likely pathogenic (3). Last evaluated 2024-08-01.

Conditions:
COL4A5-related disorders.
X-linked Alport syndrome (ATS1). Also called: NEPHROPATHY AND DEAFNESS, X-LINKED; COL4A5-Related Nephropathy. Identifiers: Orphanet 63, Orphanet 88917, MedGen C4746986, MONDO:0010520, OMIM 301050.

Submissions (3):

CeGaT Center for Human Genetics Tuebingen
Classification: Likely pathogenic. Last evaluated: 2024-08-01. Review status: criteria provided, single submitter. Criteria: CeGaT Center For Human Genetics Tuebingen Variant Classification Criteria Version 2. Collection method: clinical testing. Allele origin: germline. Affected: yes. Observed: 1 variant allele.
Comment: COL4A5: PS4:Moderate, PVS1:Moderate, PM2:Supporting, PP4

Blueprint Genetics
Classification: Likely pathogenic for COL4A5-related disorders. Last evaluated: 2024-03-14. Review status: criteria provided, single submitter. Criteria: ACMG Guidelines, 2015. Collection method: clinical testing. Allele origin: germline. Affected: yes. Observed: 1 variant allele.

Fulgent Genetics
Classification: Likely pathogenic for X-linked Alport syndrome. Last evaluated: 2024-01-09. Review status: criteria provided, single submitter. Criteria: ACMG Guidelines, 2015. Collection method: clinical testing. Allele origin: germline.